The following is an entry in ClinVar:

NM_001277313.2(FMN1):c.1169G>A (p.Arg390Gln)

Gene: FMN1 (formin 1; minus strand). Cytogenetic location: 15q13.3.
Variant type: single nucleotide variant.
Coding change: c.1169G>A on transcript NM_001277313.2 (MANE Select); coding-DNA position 1169, G replaced by A.
Protein change: p.Arg390Gln; replaces arginine 390 with glutamine.
Molecular consequence: missense variant.
Genome position (GRCh38, 1-based): chr15:33,153,746, C>T on the plus strand (G>A on the coding strand, the complement: FMN1 is on the minus strand). VCF-style: chr15-33153746-C-T. GRCh37 (hg19) VCF-style: chr15-33445947-C-T.
Other names: c.1169G>A, p.Arg390Gln (NM_001277314.2); short protein forms R390Q.
Identifiers: ClinVar variation 4711695 (VCV004711695.1).

ClinVar aggregate classification (germline): Uncertain significance (1 of 4 stars; one submission).

gnomAD v4.1: 31 of 1,536,134 alleles (0.002%); highest among the groups gnomAD compares: East Asian, 0.0073%; no homozygotes.

Submission:

Labcorp Genetics (formerly Invitae), Labcorp
Classification: Uncertain significance. Last evaluated: 2025-07-16. Review status: criteria provided, single submitter. Criteria: Invitae Variant Classification Sherloc (09022015). Collection method: clinical testing. Allele origin: germline.
Comment: The FMN1 gene has multiple clinically relevant transcripts. This variant occurs in alternate transcript NM_001277314.1, and corresponds to NM_001103184.3:c.-85862G>A in the primary transcript. This sequence change replaces arginine, which is basic and polar, with glutamine, which is neutral and polar, at codon 390 of the FMN1 protein (p.Arg390Gln). This variant is present in population databases (rs746675773, gnomAD 0.006%). This variant has not been reported in the literature in individuals affected with FMN1-related conditions. Experimental studies and prediction algorithms are not available or were not evaluated, and the functional significance of this variant is currently unknown. In summary, the available evidence is currently insufficient to determine the role of this variant in disease. Therefore, it has been classified as a Variant of Uncertain Significance.